The following is an entry in ClinVar:

NM_001146.5(ANGPT1):c.196G>A (p.Ala66Thr)

Gene: ANGPT1 (angiopoietin 1; minus strand). Cytogenetic location: 8q23.1.
Variant type: single nucleotide variant.
Coding change: c.196G>A on transcript NM_001146.5 (MANE Select); coding-DNA position 196, G replaced by A.
Protein change: p.Ala66Thr; replaces alanine 66 with threonine.
Molecular consequence: missense variant.
Genome position (GRCh38, 1-based): chr8:107,497,363, C>T on the plus strand (G>A on the coding strand, the complement: ANGPT1 is on the minus strand). VCF-style: chr8-107497363-C-T. GRCh37 (hg19) VCF-style: chr8-108509591-C-T.
Other names: c.196G>A, p.Ala66Thr (NM_001199859.3); short protein forms A66T.
Identifiers: ClinVar variation 4690890 (VCV004690890.1).

ClinVar aggregate classification (germline): Uncertain significance (1 of 4 stars; one submission).

gnomAD v4.1: 31 of 1,614,036 alleles (0.0019%); highest among the groups gnomAD compares: Admixed American, 0.0033%; no homozygotes.

Submission:

Labcorp Genetics (formerly Invitae), Labcorp
Classification: Uncertain significance. Last evaluated: 2025-08-29. Review status: criteria provided, single submitter. Criteria: Invitae Variant Classification Sherloc (09022015). Collection method: clinical testing. Allele origin: germline.
Comment: This sequence change replaces alanine, which is neutral and non-polar, with threonine, which is neutral and polar, at codon 66 of the ANGPT1 protein (p.Ala66Thr). This variant is present in population databases (rs753934789, gnomAD 0.006%). This variant has not been reported in the literature in individuals affected with ANGPT1-related conditions. An algorithm developed to predict the effect of missense changes on protein structure and function (PolyPhen-2) suggests that this variant is likely to be disruptive. In summary, the available evidence is currently insufficient to determine the role of this variant in disease. Therefore, it has been classified as a Variant of Uncertain Significance.